The following is an entry in ClinVar:

ClinVar aggregate classification (germline): Conflicting classifications of pathogenicity. Review status: criteria provided, conflicting classifications (1 of 4 stars). 2 submissions from 2 submitters: Uncertain significance (1); Likely benign (1). Last evaluated 2026-03-24.

Conditions:
Early-infantile DEE. Also called: Ohtahara syndrome; Early infantile epileptic encephalopathy with suppression bursts; Early infantile epileptic encephalopathy. Identifiers: Orphanet 1934, MedGen C0393706, MONDO:0800491.

Allele frequency attached by ClinVar (database versions not stated): gnomAD exomes below 0.00001.
gnomAD v4.1: 1 of 1,612,808 alleles (0.000062%); highest among the groups gnomAD compares: Non-Finnish European, 0.000085%; no homozygotes.

Submissions (2):

GeneDx
Classification: Uncertain significance. Last evaluated: 2026-03-24. Review status: criteria provided, single submitter. Criteria: GeneDx Variant Classification Process June 2021. Collection method: clinical testing. Allele origin: germline.
Comment: Not observed at significant frequency in large population cohorts (gnomAD); In silico analysis supports that this missense variant has a deleterious effect on protein structure/function; Has not been previously published as pathogenic or benign to our knowledge

Labcorp Genetics (formerly Invitae), Labcorp
Classification: Likely benign for Early-infantile DEE. Last evaluated: 2022-08-31. Review status: criteria provided, single submitter. Criteria: Invitae Variant Classification Sherloc (09022015). Collection method: clinical testing. Allele origin: germline.

NM_020988.3(GNAO1):c.754G>A (p.Asp252Asn)

Gene: GNAO1 (G protein subunit alpha o1; plus strand). Cytogenetic location: 16q13.
Variant type: single nucleotide variant.
Coding change: c.754G>A on transcript NM_020988.3 (MANE Select); coding-DNA position 754, G replaced by A.
Protein change: p.Asp252Asn; replaces aspartic acid 252 with asparagine.
Molecular consequence: missense variant.
Genome position (GRCh38, 1-based): chr16:56,351,414, G>A. VCF-style: chr16-56351414-G-A. GRCh37 (hg19) VCF-style: chr16-56385326-G-A.
Other names: short protein forms D252N.
Identifiers: ClinVar variation 964792 (VCV000964792.12), dbSNP rs2037920339, ClinGen allele CA395954645.
Genomic context (GRCh38, chr16:56,351,414, plus strand): 5'-GTCCTCTCTCCTCCCTTCCTGCGGCCGCAGAACCGCATGCACGAGTCTCTCATGCTCTTC[G>A]ACTCCATCTGTAACAACAAGTTCTTCATCGATACCTCCATCATTCTCTTCCTCAACAAGA-3'
Protein context (NP_066268.1, residues 242-262): NRMHESLMLF[Asp252Asn]SICNNKFFID